The following is an entry in ClinVar:

NM_006361.6(HOXB13):c.331G>T (p.Ala111Ser)

Gene: HOXB13 (homeobox B13; minus strand). Cytogenetic location: 17q21.32.
Variant type: single nucleotide variant.
Coding change: c.331G>T on transcript NM_006361.6 (MANE Select); coding-DNA position 331, G replaced by T.
Protein change: p.Ala111Ser; replaces alanine 111 with serine.
Molecular consequence: missense variant.
Genome position (GRCh38, 1-based): chr17:48,728,263, C>A on the plus strand (G>T on the coding strand, the complement: HOXB13 is on the minus strand). VCF-style: chr17-48728263-C-A. GRCh37 (hg19) VCF-style: chr17-46805625-C-A.
Other names: short protein forms A111S.
Identifiers: ClinVar variation 690711 (VCV000690711.9), dbSNP rs745889927, ClinGen allele CA400107680.
Genomic context (GRCh38, chr17:48,728,263, plus strand): 5'-GATAGAAGGCAAACTCAGTGGGGCGGCTGGGGTACTCTTCCCCGGCCGTGGGAGTCTCCG[C>A]GGGGTACGCGGCCAGGGTGGCTGCCTGGGCACAGGGTTTCAGCGAGCTCCGGGACACTCG-3'
Protein context (NP_006352.2, residues 101-121): AQAATLAAYP[Ala111Ser]ETPTAGEEYP

ClinVar aggregate classification (germline): Uncertain significance. Review status: criteria provided, single submitter (1 of 4 stars). 2 submissions from 2 submitters: Uncertain significance (1). 1 of the submissions does not count toward it. Last evaluated 2021-12-15.

Conditions:
Prostate cancer, hereditary, 1 (HPC1). Identifiers: Orphanet 1331, MedGen C4722327, MONDO:0011098, OMIM 601518.

Submissions (2):

Labcorp Genetics (formerly Invitae), Labcorp
Classification: Uncertain significance. Last evaluated: 2021-12-15. Review status: criteria provided, single submitter. Criteria: Invitae Variant Classification Sherloc (09022015). Collection method: clinical testing. Allele origin: germline.
Comment: This variant has not been reported in the literature in individuals affected with HOXB13-related conditions. This variant is not present in population databases (gnomAD no frequency). This sequence change replaces alanine, which is neutral and non-polar, with serine, which is neutral and polar, at codon 111 of the HOXB13 protein (p.Ala111Ser). ClinVar contains an entry for this variant (Variation ID: 690711). Algorithms developed to predict the effect of missense changes on protein structure and function output the following: SIFT: "Tolerated"; PolyPhen-2: "Benign"; Align-GVGD: "Class C0". The serine amino acid residue is found in multiple mammalian species, which suggests that this missense change does not adversely affect protein function. In summary, the available evidence is currently insufficient to determine the role of this variant in disease. Therefore, it has been classified as a Variant of Uncertain Significance.

Laboratory of Virology, Microbiology,  Quality and Medical Biotechnologies, Faculty of Sciences and Techniques - Mohammedia, Hassan II University of Casablanca
Classification: Uncertain significance for Prostate cancer, hereditary, 1. Review status: no assertion criteria provided. Collection method: clinical testing. Allele origin: somatic. Affected: yes. Not counted in ClinVar's aggregate classification.